The following is an entry in ClinVar:

ClinVar aggregate classification (germline): Uncertain significance. Review status: criteria provided, multiple submitters, no conflicts (2 of 4 stars). 2 submissions from 2 submitters: Uncertain significance (2). Last evaluated 2023-12-01.

Allele frequency attached by ClinVar (database versions not stated): TOPMed below 0.00001; gnomAD exomes 0.00001 and 0.00002; ExAC 0.00002.
gnomAD v4.1: 5 of 1,613,068 alleles (0.00031%); highest among the groups gnomAD compares: Admixed American, 0.0033%; no homozygotes.

Submissions (2):

Labcorp Genetics (formerly Invitae), Labcorp
Classification: Uncertain significance. Last evaluated: 2023-12-01. Review status: criteria provided, single submitter. Criteria: Invitae Variant Classification Sherloc (09022015). Collection method: clinical testing. Allele origin: germline.
Comment: This sequence change falls in intron 9 of the EMC1 gene. It does not directly change the encoded amino acid sequence of the EMC1 protein. It affects a nucleotide within the consensus splice site. This variant is present in population databases (rs773586945, gnomAD 0.006%). This variant has not been reported in the literature in individuals affected with EMC1-related conditions. ClinVar contains an entry for this variant (Variation ID: 1506622). Variants that disrupt the consensus splice site are a relatively common cause of aberrant splicing (PMID: 17576681, 9536098). Algorithms developed to predict the effect of sequence changes on RNA splicing suggest that this variant may disrupt the consensus splice site. In summary, the available evidence is currently insufficient to determine the role of this variant in disease. Therefore, it has been classified as a Variant of Uncertain Significance.

Blueprint Genetics
Classification: Uncertain significance. Last evaluated: 2022-09-05. Review status: criteria provided, single submitter. Criteria: ACMG Guidelines, 2015. Collection method: clinical testing. Allele origin: germline.

Literature cited by the submitters: PubMed 17576681 (cited by Labcorp Genetics (formerly Invitae), Labcorp); PubMed 9536098 (cited by Labcorp Genetics (formerly Invitae), Labcorp).

NM_015047.3(EMC1):c.1026+5G>A

Genes: EMC1 (ER membrane protein complex subunit 1; minus strand), EMC1-AS1 (EMC1 antisense RNA 1; plus strand). Cytogenetic location: 1p36.13.
Variant type: single nucleotide variant.
Coding change: c.1026+5G>A on transcript NM_015047.3 (MANE Select); 5 bases into the intron after coding-DNA position 1026, G replaced by A.
Molecular consequence: intron variant.
Genome position (GRCh38, 1-based): chr1:19,239,226, C>T on the plus strand (G>A on the coding strand, the complement: EMC1 is on the minus strand). VCF-style: chr1-19239226-C-T. GRCh37 (hg19) VCF-style: chr1-19565720-C-T.
Other names: c.960+5G>A (NM_001271429.2); c.1026+5G>A (NM_001271427.2, NM_001375821.1, NM_001271428.2 and 1 more transcripts).
Identifiers: ClinVar variation 1506622 (VCV001506622.7), dbSNP rs773586945, ClinGen allele CA652716.